The following is an entry in ClinVar:

ClinVar aggregate classification (germline): Uncertain significance. Review status: criteria provided, multiple submitters, no conflicts (2 of 4 stars). 2 submissions from 2 submitters: Uncertain significance (2). Last evaluated 2024-11-18.

Conditions:
Hereditary sensory and autonomic neuropathy type 1 (HSAN1). Also called: HSAN 1; HSN Type I; Hereditary Sensory Neuropathy Type I. Identifiers: Orphanet 36386, MedGen C0020071, MONDO:0018213.

Submissions (2):

Labcorp Genetics (formerly Invitae), Labcorp
Classification: Uncertain significance for Hereditary sensory and autonomic neuropathy type 1. Last evaluated: 2024-11-18. Review status: criteria provided, single submitter. Criteria: Invitae Variant Classification Sherloc (09022015). Collection method: clinical testing. Allele origin: germline.
Comment: This sequence change replaces alanine, which is neutral and non-polar, with aspartic acid, which is acidic and polar, at codon 312 of the SPTLC1 protein (p.Ala312Asp). This variant is not present in population databases (gnomAD no frequency). This variant has not been reported in the literature in individuals affected with SPTLC1-related conditions. ClinVar contains an entry for this variant (Variation ID: 1476959). Invitae Evidence Modeling of protein sequence and biophysical properties (such as structural, functional, and spatial information, amino acid conservation, physicochemical variation, residue mobility, and thermodynamic stability) has been performed for this missense variant. However, the output from this modeling did not meet the statistical confidence thresholds required to predict the impact of this variant on SPTLC1 protein function. In summary, the available evidence is currently insufficient to determine the role of this variant in disease. Therefore, it has been classified as a Variant of Uncertain Significance.

CeGaT Center for Human Genetics Tuebingen
Classification: Uncertain significance. Last evaluated: 2024-07-01. Review status: criteria provided, single submitter. Criteria: CeGaT Center For Human Genetics Tuebingen Variant Classification Criteria Version 2. Collection method: clinical testing. Allele origin: germline. Affected: yes. Observed: 1 variant allele.
Comment: SPTLC1: PM2

NM_006415.4(SPTLC1):c.935C>A (p.Ala312Asp)

Gene: SPTLC1 (serine palmitoyltransferase long chain base subunit 1; minus strand). Cytogenetic location: 9q22.31.
Variant type: single nucleotide variant.
Coding change: c.935C>A on transcript NM_006415.4 (MANE Select); coding-DNA position 935, C replaced by A.
Protein change: p.Ala312Asp; replaces alanine 312 with aspartic acid.
Molecular consequence: missense variant.
Genome position (GRCh38, 1-based): chr9:92,047,662, G>T on the plus strand (C>A on the coding strand, the complement: SPTLC1 is on the minus strand). VCF-style: chr9-92047662-G-T. GRCh37 (hg19) VCF-style: chr9-94809944-G-T.
Other names: c.935C>A, p.Ala312Asp (NM_001281303.2); c.569C>A, p.Ala190Asp (NM_001368272.1); c.470C>A, p.Ala157Asp (NM_001368273.1); short protein forms A157D, A312D, A190D.
Identifiers: ClinVar variation 1476959 (VCV001476959.23), dbSNP rs2118451537, ClinGen allele CA373792730.